The following is an entry in ClinVar:

NM_000228.3(LAMB3):c.68G>A (p.Arg23His)

Gene: LAMB3 (laminin subunit beta 3; minus strand). Cytogenetic location: 1q32.2.
Variant type: single nucleotide variant.
Coding change: c.68G>A on transcript NM_000228.3 (MANE Select); coding-DNA position 68, G replaced by A.
Protein change: p.Arg23His; replaces arginine 23 with histidine.
Molecular consequence: missense variant.
Genome position (GRCh38, 1-based): chr1:209,650,079, C>T on the plus strand (G>A on the coding strand, the complement: LAMB3 is on the minus strand). VCF-style: chr1-209650079-C-T. GRCh37 (hg19) VCF-style: chr1-209823424-C-T.
Other names: c.68G>A, p.Arg23His (NM_001017402.2, NM_001127641.1); short protein forms R23H.
Identifiers: ClinVar variation 720829 (VCV000720829.11), dbSNP rs139480015, ClinGen allele CA1376108.

ClinVar aggregate classification (germline): Conflicting classifications of pathogenicity. Review status: criteria provided, conflicting classifications (1 of 4 stars). 3 submissions from 3 submitters: Uncertain significance (1); Likely benign (2). Last evaluated 2026-01-26.

Conditions:
LAMB3-related disorder. Also called: LAMB3-related condition.
Inborn genetic diseases. Identifiers: MedGen C0950123, MeSH D030342.

Allele frequency attached by ClinVar (database versions not stated): ESP Exome Variant Server 0.00062; gnomAD 0.00079 and 0.00086; TOPMed 0.00087.
gnomAD v4.1: 219 of 1,613,940 alleles (0.014%); highest among the groups gnomAD compares: African/African-American, 0.23%; no homozygotes.

Submissions (3):

Labcorp Genetics (formerly Invitae), Labcorp
Classification: Likely benign. Last evaluated: 2026-01-26. Review status: criteria provided, single submitter. Criteria: Invitae Variant Classification Sherloc (09022015). Collection method: clinical testing. Allele origin: germline.

PreventionGenetics, part of Exact Sciences
Classification: Likely benign for LAMB3-related condition. Last evaluated: 2025-09-22. Review status: criteria provided, single submitter. Criteria: ACMG Guidelines, 2015. Collection method: clinical testing. Allele origin: germline.
Comment: This variant is classified as likely benign based on ACMG/AMP sequence variant interpretation guidelines (Richards et al. 2015 PMID: 25741868, with internal and published modifications).

Ambry Genetics
Classification: Uncertain significance for Inborn genetic diseases. Last evaluated: 2023-10-13. Review status: criteria provided, single submitter. Criteria: Ambry Variant Classification Scheme 2023. Collection method: clinical testing. Allele origin: germline.